The following is an entry in ClinVar:

ClinVar aggregate classification (germline): Uncertain significance (1 of 4 stars; one submission).

Submission:

GeneDx
Classification: Uncertain significance. Last evaluated: 2024-09-11. Review status: criteria provided, single submitter. Criteria: GeneDx Variant Classification Process June 2021. Collection method: clinical testing. Allele origin: germline. Affected: yes.
Comment: Not observed at significant frequency in large population cohorts (gnomAD); In silico analysis indicates that this variant does not alter splicing; Has not been previously published as pathogenic or benign to our knowledge

NM_001330078.2(NRXN1):c.773-12A>T

Gene: NRXN1 (neurexin 1; minus strand). Cytogenetic location: 2p16.3.
Variant type: single nucleotide variant.
Coding change: c.773-12A>T on transcript NM_001330078.2 (MANE Select); 12 bases into the intron before coding-DNA position 773, A replaced by T.
Molecular consequence: intron variant.
Genome position (GRCh38, 1-based): chr2:50,925,967, T>A on the plus strand (A>T on the coding strand, the complement: NRXN1 is on the minus strand). VCF-style: chr2-50925967-T-A. GRCh37 (hg19) VCF-style: chr2-51153105-T-A.
Other names: c.772+101535A>T (NM_001330096.2, NM_001330087.2, NM_001330083.2 and 1 more transcripts); c.773-3280A>T (NM_001330088.2, NM_001330089.2); c.773-15A>T (NM_001330093.2, NM_001330079.2); c.773-12A>T (NM_001330094.2, NM_001330095.2, NM_001330082.2 and 6 more transcripts); c.872-12A>T (NM_001135659.3).
Identifiers: ClinVar variation 3770041 (VCV003770041.1).
Genomic context (GRCh38, chr2:50,925,967, plus strand): 5'-GAGTTGGAAAAATAAGGTAGAAAGCACCCACCTTCCACATTGTTGTCTTCTGAAAGCACA[T>A]GACAAGGAGGGAGAGAAAAGGAAAAACATTCATTAAGCAGCATGCAGACTGGACCTTGCC-3'